The following is an entry in ClinVar:

NM_004612.4(TGFBR1):c.763C>T (p.Arg255Cys)

Gene: TGFBR1 (transforming growth factor beta receptor 1; plus strand). Cytogenetic location: 9q22.33.
Variant type: single nucleotide variant.
Coding change: c.763C>T on transcript NM_004612.4 (MANE Select); coding-DNA position 763, C replaced by T.
Protein change: p.Arg255Cys; replaces arginine 255 with cysteine.
Molecular consequence: missense variant.
Genome position (GRCh38, 1-based): chr9:99,138,047, C>T. VCF-style: chr9-99138047-C-T. GRCh37 (hg19) VCF-style: chr9-101900329-C-T.
Other names: c.763C>T (NM_004612.2); c.532C>T, p.Arg178Cys (NM_001130916.3); c.775C>T, p.Arg259Cys (NM_001306210.2); short protein forms R178C, R255C, R259C.
Identifiers: ClinVar variation 692013 (VCV000692013.5), dbSNP rs1588585570, ClinGen allele CA374230223.

ClinVar aggregate classification (germline): Conflicting classifications of pathogenicity. Review status: criteria provided, conflicting classifications (1 of 4 stars). 3 submissions from 3 submitters: Likely pathogenic (1); Uncertain significance (2). Last evaluated 2024-03-29.

Conditions:
Loeys-Dietz syndrome 1 (LDS1). Also called: AORTIC ANEURYSM, FAMILIAL THORACIC 5; TGFBR1-Related Loeys-Dietz Syndrome; FURLONG SYNDROME. Identifiers: Orphanet 60030, MedGen C4551955, MONDO:0012212, OMIM 609192.

Submissions (3):

Genomic Medicine Center of Excellence, King Faisal Specialist Hospital and Research Centre
Classification: Uncertain significance for Loeys-Dietz syndrome 1. Last evaluated: 2024-03-29. Review status: criteria provided, single submitter. Criteria: ACMG Guidelines, 2015. Collection method: clinical testing. Allele origin: germline.

Revvity Omics, Revvity
Classification: Uncertain significance for Loeys-Dietz syndrome 1. Last evaluated: 2021-02-08. Review status: criteria provided, single submitter. Criteria: ACMG Guidelines, 2015. Collection method: clinical testing. Allele origin: germline.

Rady Children's Institute for Genomic Medicine, Rady Children's Hospital San Diego
Classification: Likely pathogenic for LOEYS-DIETZ SYNDROME 1. Last evaluated: 2018-03-02. Review status: criteria provided, single submitter. Criteria: ACMG Guidelines, 2015. Collection method: clinical testing. Allele origin: germline. Affected: yes. Observed: 1 variant allele.
Comment: This variant has not been reported or functionally characterized in the literature to our knowledge. In silico algorithms predict this change to be damaging. This variant is located in the serine/threonine kinase domain, where missense variation here was result in loss of function of the receptor activity (PMID: 21522183, 15731757, 18781618). However, this particular variant was not functionally characterized. Analysis of the parental samples was negative for the variant, indicating this variant likely occurred as a de novo event. Based on the available evidence, this variant is classified as likely pathogenic.